The following is an entry in ClinVar:

ClinVar aggregate classification (germline): Pathogenic. Review status: criteria provided, multiple submitters, no conflicts (2 of 4 stars). 8 submissions from 8 submitters: Pathogenic (5). 3 of the submissions do not count toward it. Last evaluated 2024-11-30.

Conditions:
Spinal muscular atrophy (SMA). Identifiers: MedGen C0026847, MeSH D009134, MONDO:0001516, HP:0007269.
Neuronopathy, distal hereditary motor, autosomal dominant. Also called: Autosomal dominant distal hereditary motor neuropathy. Identifiers: Orphanet 140465, MedGen C5548212, MONDO:0015362.
Distal myopathy. Identifiers: Orphanet 599, MedGen C0751336, MONDO:0018949.
Autosomal dominant childhood-onset proximal spinal muscular atrophy with contractures (SMALED2A). Also called: SPINAL MUSCULAR ATROPHY, LOWER EXTREMITY-PREDOMINANT, 2A, CHILDHOOD ONSET, AUTOSOMAL DOMINANT; Spinal muscular atrophy, lower extremity-predominant, 2A, autosomal dominant. Identifiers: Orphanet 363447, Orphanet 363454, MedGen C4747715, MONDO:0014121, OMIM 615290.

Submissions (8):

Labcorp Genetics (formerly Invitae), Labcorp
Classification: Pathogenic for Autosomal dominant childhood-onset proximal spinal muscular atrophy with contractures. Last evaluated: 2024-11-30. Review status: criteria provided, single submitter. Criteria: Invitae Variant Classification Sherloc (09022015). Collection method: clinical testing. Allele origin: germline.
Comment: This sequence change replaces serine, which is neutral and polar, with leucine, which is neutral and non-polar, at codon 107 of the BICD2 protein (p.Ser107Leu). This variant is not present in population databases (gnomAD no frequency). This missense change has been observed in individual(s) with spinal muscular atrophy (SMA) (PMID: 23664116, 23664119, 23664120, 25497877, 27784775, 28251916). In at least one individual the variant was observed to be de novo. It has also been observed to segregate with disease in related individuals. ClinVar contains an entry for this variant (Variation ID: 55857). Invitae Evidence Modeling incorporating data from in vitro experimental studies (internal data) did not meet the statistical confidence thresholds required to predict the impact of this variant on BICD2 function. Experimental studies have shown that this missense change affects BICD2 function (PMID: 23664116). For these reasons, this variant has been classified as Pathogenic.

GeneDx
Classification: Pathogenic. Last evaluated: 2023-01-17. Review status: criteria provided, single submitter. Criteria: GeneDx Variant Classification Process June 2021. Collection method: clinical testing. Allele origin: germline. Affected: yes.
Comment: Published functional studies demonstrate that this variant alters protein function by increasing protein binding affinity and causing the abnormal accumulation of BICD2 protein (Peeters et al., 2013; Oates et al., 2013; Unger et al., 2016); Missense variants in this gene are often considered pathogenic (HGMD); Not observed at significant frequency in large population cohorts (gnomAD); In silico analysis supports that this missense variant has a deleterious effect on protein structure/function; This variant is associated with the following publications: (PMID: 26063656, 23664119, 25497877, 23664116, 27784775, 26594138, 28251916, 28883039, 23664120, 29528393, 22628388, 8114789, 31127727, 32056343)

Servicio Canario de Salud, Hospital Universitario Nuestra Sra. de Candelaria
Classification: Pathogenic for Autosomal dominant childhood-onset proximal spinal muscular atrophy with contractures. Last evaluated: 2022-12-07. Review status: criteria provided, single submitter. Criteria: ACMG Guidelines, 2015. Collection method: clinical testing. Allele origin: de novo. Inheritance: Autosomal dominant inheritance. Affected: yes. Observed: 1 heterozygote.
Comment: This variant is not present in population databases ( gnomAD no frequency). ClinVar contains an entry for this variant (Variation ID: 55857). In silico analysis (CADD, Mutation Taster, SIFT, Provean, PolyPhen2) supports that this missense variant has a deleterious effect on protein structure/function. Experimental studies have shown that this missense change affects BICD2 function (PMID: 23664116). In summary, c.523C>T TRPC6 variant meets our criteria to be classified as pathogenic based upon its absence from controls, computational evidence of pathogenicity and experimental studies, de novo occurrence in this family and having been widely described in relation to the patient´s phenotype.

Mayo Clinic Laboratories, Mayo Clinic
Classification: Pathogenic. Last evaluated: 2021-07-23. Review status: criteria provided, single submitter. Criteria: ACMG Guidelines, 2015. Collection method: clinical testing. Allele origin: germline.
Comment: PP1, PM1, PM2, PM6, PS3, PS4_moderate

Cambridge Genomics Laboratory, East Genomic Laboratory Hub, NHS Genomic Medicine Service
Classification: Pathogenic for Distal myopathy. Last evaluated: 2019-04-17. Review status: criteria provided, single submitter. Criteria: ACGS Best Practice Guidelines for Variant Classification in Rare Disease 2020. Collection method: clinical testing. Allele origin: germline. Affected: yes. Observed: 1 variant allele.

Institute of Human Genetics, Cologne University
Classification: Pathogenic for Autosomal dominant childhood-onset proximal spinal muscular atrophy with contractures. Last evaluated: 2018-04-25. Review status: no assertion criteria provided. Collection method: clinical testing. Allele origin: de novo. Affected: yes. Not counted in ClinVar's aggregate classification.

OMIM
Classification: Pathogenic for SPINAL MUSCULAR ATROPHY, LOWER EXTREMITY-PREDOMINANT, 2A, CHILDHOOD ONSET, AUTOSOMAL DOMINANT. Last evaluated: 2013-06-06. Review status: no assertion criteria provided. Collection method: literature only. Allele origin: germline. Not counted in ClinVar's aggregate classification.

Inherited Neuropathy Consortium
Classification: Pathogenic for Autosomal dominant distal hereditary motor neuropathy. Review status: no assertion criteria provided. Collection method: literature only. Allele origin: germline. Affected: yes. Not counted in ClinVar's aggregate classification.

Literature cited by the submitters: PubMed 23664116 (cited by 4 submitters); PubMed 23664119 (cited by 3 submitters); PubMed 23664120 (cited by 3 submitters); PubMed 25497877 (cited by Labcorp Genetics (formerly Invitae), Labcorp and Mayo Clinic Laboratories, Mayo Clinic); PubMed 27784775 (cited by 3 submitters); PubMed 28251916 (cited by Labcorp Genetics (formerly Invitae), Labcorp); PubMed 8114789 (cited by Servicio Canario de Salud, Hospital Universitario Nuestra Sra. de Candelaria and OMIM); PubMed 22628388 (cited by OMIM).

NM_001003800.2(BICD2):c.320C>T (p.Ser107Leu)

Gene: BICD2 (BICD cargo adaptor 2; minus strand). Cytogenetic location: 9q22.31.
Variant type: single nucleotide variant.
Coding change: c.320C>T on transcript NM_001003800.2 (MANE Select); coding-DNA position 320, C replaced by T.
Protein change: p.Ser107Leu; replaces serine 107 with leucine.
Molecular consequence: missense variant.
Genome position (GRCh38, 1-based): chr9:92,729,157, G>A on the plus strand (C>T on the coding strand, the complement: BICD2 is on the minus strand). VCF-style: chr9-92729157-G-A. GRCh37 (hg19) VCF-style: chr9-95491439-G-A.
Other names: c.320C>T, p.Ser107Leu (NM_015250.4); short protein forms S107L.
Identifiers: ClinVar variation 55857 (VCV000055857.20), dbSNP rs398123028, ClinGen allele CA143964.
Genomic context (GRCh38, chr9:92,729,157, plus strand): 5'-TGCTTCAGCTCCGTCTGCAGCTCTAGCACCTTCCGCACGTAGTACTGCTCCTTGGAGGCC[G>A]ACTCCTGGATCAGGCTCTCCTCCCGGCTCTCTCCGTCAGCAGCCACCTTCTTGTGGTTTG-3'
Protein context (NP_001003800.1, residues 97-117): ESREESLIQE[Ser107Leu]ASKEQYYVRK